The following is an entry in ClinVar:

NM_000603.5(NOS3):c.861C>T (p.Asp287=)

Gene: NOS3 (nitric oxide synthase 3; plus strand). Cytogenetic location: 7q36.1.
Variant type: single nucleotide variant.
Coding change: c.861C>T on transcript NM_000603.5 (MANE Select); coding-DNA position 861, C replaced by T.
Protein change: p.Asp287=; no amino-acid change (aspartic acid 287 retained).
Molecular consequence: synonymous variant.
Genome position (GRCh38, 1-based): chr7:150,998,990, C>T. VCF-style: chr7-150998990-C-T. GRCh37 (hg19) VCF-style: chr7-150696078-C-T.
Other names: c.861C>T, p.Asp287= (NM_001160109.2, NM_001160110.1, NM_001160111.1).
Identifiers: ClinVar variation 769735 (VCV000769735.6), dbSNP rs9282804, ClinGen allele CA4566783.
Genomic context (GRCh38, chr7:150,998,990, plus strand): 5'-GGCCCACTCCCCACAGCTCTGCATTCAGCACGGCTGGACCCCAGGAAACGGTCGCTTCGA[C>T]GTGCTGCCCCTGCTGCTGCAGGCCCCAGATGATCCCCCAGAACTCTTCCTTCTGCCCCCC-3'
Protein context (NP_000594.2, residues 277-297): HGWTPGNGRF[Asp287=]VLPLLLQAPD

ClinVar aggregate classification (germline): Benign. Review status: criteria provided, multiple submitters, no conflicts (2 of 4 stars). 3 submissions from 3 submitters: Benign (2). 1 of the submissions does not count toward it. Last evaluated 2019-12-31.

Conditions:
NOS3-related disorder. Also called: NOS3-related condition.

Allele frequency attached by ClinVar (database versions not stated): gnomAD exomes 0.00143 and 0.00358; ExAC 0.00427; ESP Exome Variant Server 0.01294; gnomAD 0.01294 and 0.01363; TOPMed 0.01449; 1000 Genomes Project 0.01917; 1000 Genomes Project 30x 0.02030.

Submissions (3):

Labcorp Genetics (formerly Invitae), Labcorp
Classification: Benign. Last evaluated: 2019-12-31. Review status: criteria provided, single submitter. Criteria: Invitae Variant Classification Sherloc (09022015). Collection method: clinical testing. Allele origin: germline.

Breakthrough Genomics
Classification: Benign. Review status: criteria provided, single submitter. Criteria: ACMG Guidelines, 2015. Collection method: not provided. Allele origin: germline. Inheritance: Autosomal dominant inheritance. Affected: yes.

PreventionGenetics, part of Exact Sciences
Classification: Benign for NOS3-related condition. Last evaluated: 2024-05-14. Review status: no assertion criteria provided. Collection method: clinical testing. Allele origin: germline. Not counted in ClinVar's aggregate classification.
Comment: This variant is classified as benign based on ACMG/AMP sequence variant interpretation guidelines (Richards et al. 2015 PMID: 25741868, with internal and published modifications).